The following is an entry in ClinVar:

ClinVar aggregate classification (germline): Conflicting classifications of pathogenicity. Review status: criteria provided, conflicting classifications (1 of 4 stars). 3 submissions from 3 submitters: Uncertain significance (2); Likely benign (1). Last evaluated 2024-11-19.

Conditions:
Inborn genetic diseases. Identifiers: MedGen C0950123, MeSH D030342.

Allele frequency attached by ClinVar (database versions not stated): gnomAD exomes 0.00005; ExAC 0.00011; 1000 Genomes Project 30x 0.00016; gnomAD 0.00061 and 0.00064.
gnomAD v4.1: 182 of 1,498,780 alleles (0.012%); highest among the groups gnomAD compares: African/African-American, 0.22%; no homozygotes.

Submissions (3):

Labcorp Genetics (formerly Invitae), Labcorp
Classification: Likely benign. Last evaluated: 2024-11-19. Review status: criteria provided, single submitter. Criteria: Invitae Variant Classification Sherloc (09022015). Collection method: clinical testing. Allele origin: germline.

Ambry Genetics
Classification: Uncertain significance for Inborn genetic diseases. Last evaluated: 2023-03-27. Review status: criteria provided, single submitter. Criteria: Ambry Variant Classification Scheme 2023. Collection method: clinical testing. Allele origin: germline.

GeneDx
Classification: Uncertain significance. Last evaluated: 2022-03-24. Review status: criteria provided, single submitter. Criteria: GeneDx Variant Classification Process June 2021. Collection method: clinical testing. Allele origin: germline. Affected: yes.
Comment: In silico analysis supports that this missense variant does not alter protein structure/function; Has not been previously published as pathogenic or benign to our knowledge

NM_139242.4(MTFMT):c.35C>T (p.Pro12Leu)

Gene: MTFMT (mitochondrial methionyl-tRNA formyltransferase; minus strand). Cytogenetic location: 15q22.31.
Variant type: single nucleotide variant.
Coding change: c.35C>T on transcript NM_139242.4 (MANE Select); coding-DNA position 35, C replaced by T.
Protein change: p.Pro12Leu; replaces proline 12 with leucine.
Molecular consequence: missense variant.
Genome position (GRCh38, 1-based): chr15:65,029,579, G>A on the plus strand (C>T on the coding strand, the complement: MTFMT is on the minus strand). VCF-style: chr15-65029579-G-A. GRCh37 (hg19) VCF-style: chr15-65321917-G-A.
Other names: short protein forms P12L.
Identifiers: ClinVar variation 1526296 (VCV001526296.8), dbSNP rs774208069, ClinGen allele CA7613440.